The following is an entry in ClinVar:

ClinVar aggregate classification (germline): Uncertain significance. Review status: criteria provided, multiple submitters, no conflicts (2 of 4 stars). 4 submissions from 4 submitters: Uncertain significance (4). Last evaluated 2025-04-21.

Conditions:
Lethal multiple pterygium syndrome (LMPS). Identifiers: Orphanet 33108, MedGen C1854678, MONDO:0009668, OMIM 253290.
Congenital myasthenic syndrome 3A. Also called: Myasthenic syndrome, congenital, 3a, slow-channel. Identifiers: Orphanet 590, MedGen C4225372, MONDO:0014583, OMIM 616321.
Congenital myasthenic syndrome 3B (CMS3B). Also called: Myasthenic syndrome, congenital, 3B, fast-channel. Identifiers: Orphanet 590, MedGen C4225371, MONDO:0014584, OMIM 616322.
Congenital myasthenic syndrome 3C. Also called: Myasthenic syndrome, congenital, 3c, associated with acetylcholine receptor deficiency. Identifiers: Orphanet 590, MedGen C4225370, MONDO:0014585, OMIM 616323.

Allele frequency attached by ClinVar (database versions not stated): gnomAD 0.00003; gnomAD exomes 0.00004 and 0.00006; TOPMed 0.00004; ExAC 0.00007; 1000 Genomes Project 30x 0.00016; 1000 Genomes Project 0.00020.
gnomAD v4.1: 67 of 1,614,080 alleles (0.0042%); highest among the groups gnomAD compares: Middle Eastern, 0.017%; no homozygotes.

Submissions (4):

Labcorp Genetics (formerly Invitae), Labcorp
Classification: Uncertain significance for Lethal multiple pterygium syndrome. Last evaluated: 2025-04-21. Review status: criteria provided, single submitter. Criteria: Invitae Variant Classification Sherloc (09022015). Collection method: clinical testing. Allele origin: germline.
Comment: This sequence change replaces arginine, which is basic and polar, with glutamine, which is neutral and polar, at codon 407 of the CHRND protein (p.Arg407Gln). This variant is present in population databases (rs563035306, gnomAD 0.02%). This variant has not been reported in the literature in individuals affected with CHRND-related conditions. ClinVar contains an entry for this variant (Variation ID: 286380). Invitae Evidence Modeling of protein sequence and biophysical properties (such as structural, functional, and spatial information, amino acid conservation, physicochemical variation, residue mobility, and thermodynamic stability) has been performed for this missense variant. However, the output from this modeling did not meet the statistical confidence thresholds required to predict the impact of this variant on CHRND protein function. In summary, the available evidence is currently insufficient to determine the role of this variant in disease. Therefore, it has been classified as a Variant of Uncertain Significance.

Revvity Omics, Revvity
Classification: Uncertain significance. Last evaluated: 2023-03-29. Review status: criteria provided, single submitter. Criteria: ACMG Guidelines, 2015. Collection method: clinical testing. Allele origin: germline.

Fulgent Genetics
Classification: Uncertain significance for Lethal multiple pterygium syndrome; Congenital myasthenic syndrome 3A; Congenital myasthenic syndrome 3B; Congenital myasthenic syndrome 3C. Last evaluated: 2018-10-31. Review status: criteria provided, single submitter. Criteria: ACMG Guidelines, 2015. Collection method: clinical testing. Allele origin: unknown.

Eurofins Ntd Llc (ga)
Classification: Uncertain significance. Last evaluated: 2016-03-02. Review status: criteria provided, single submitter. Criteria: EGL Classification Definitions 2015. Collection method: clinical testing. Allele origin: germline. Observed: 2 variant alleles, 2 heterozygotes.

NM_000751.3(CHRND):c.1220G>A (p.Arg407Gln)

Gene: CHRND (cholinergic receptor nicotinic delta subunit; plus strand). Cytogenetic location: 2q37.1.
Variant type: single nucleotide variant.
Coding change: c.1220G>A on transcript NM_000751.3 (MANE Select); coding-DNA position 1220, G replaced by A.
Protein change: p.Arg407Gln; replaces arginine 407 with glutamine.
Molecular consequence: missense variant.
Genome position (GRCh38, 1-based): chr2:232,534,103, G>A. VCF-style: chr2-232534103-G-A. GRCh37 (hg19) VCF-style: chr2-233398813-G-A.
Other names: c.1175G>A, p.Arg392Gln (NM_001256657.2); c.638G>A, p.Arg213Gln (NM_001311195.2); c.917G>A, p.Arg306Gln (NM_001311196.2); short protein forms R407Q, R306Q, R392Q, R213Q.
Identifiers: ClinVar variation 286380 (VCV000286380.13), dbSNP rs563035306, ClinGen allele CA2168293.